The following is an entry in ClinVar:

ClinVar aggregate classification (germline): Uncertain significance (1 of 4 stars; one submission).

Conditions:
RYR1-related disorder. Also called: RYR1-related condition; RYR1-related disorders. Identifiers: MedGen CN239331.

Allele frequency attached by ClinVar (database versions not stated): gnomAD exomes below 0.00001.
gnomAD v4.1: 1 of 1,533,320 alleles (0.000065%); highest among the groups gnomAD compares: African/African-American, 0.0014%; no homozygotes.

Submission:

Labcorp Genetics (formerly Invitae), Labcorp
Classification: Uncertain significance for RYR1-related disorder. Last evaluated: 2022-09-27. Review status: criteria provided, single submitter. Criteria: Invitae Variant Classification Sherloc (09022015). Collection method: clinical testing. Allele origin: germline.
Comment: This variant has not been reported in the literature in individuals affected with RYR1-related conditions. In summary, the available evidence is currently insufficient to determine the role of this variant in disease. Therefore, it has been classified as a Variant of Uncertain Significance. Algorithms developed to predict the effect of sequence changes on RNA splicing suggest that this variant may create or strengthen a splice site. ClinVar contains an entry for this variant (Variation ID: 1415354). This variant is not present in population databases (gnomAD no frequency). This sequence change affects codon 4264 of the RYR1 mRNA. It is a 'silent' change, meaning that it does not change the encoded amino acid sequence of the RYR1 protein.

NM_000540.3(RYR1):c.12792C>T (p.Gly4264=)

Gene: RYR1 (ryanodine receptor 1; plus strand). Cytogenetic location: 19q13.2.
Variant type: single nucleotide variant.
Coding change: c.12792C>T on transcript NM_000540.3 (MANE Select); coding-DNA position 12792, C replaced by T.
Protein change: p.Gly4264=; no amino-acid change (glycine 4264 retained).
Molecular consequence: synonymous variant.
Genome position (GRCh38, 1-based): chr19:38,565,126, C>T. VCF-style: chr19-38565126-C-T. GRCh37 (hg19) VCF-style: chr19-39055766-C-T.
Other names: c.12777C>T, p.Gly4259= (NM_001042723.2).
Identifiers: ClinVar variation 1415354 (VCV001415354.8), dbSNP rs2145843696, ClinGen allele CA507355618.
Genomic context (GRCh38, chr19:38,565,126, plus strand): 5'-GCAGATCGCCGCGCAGATCTCGGAGCCCGAGGGCGAGCCGGAGACCGACGAGGACGAGGG[C>T]GCGGGCGCGGCGGAGGCGGGCGCGGAAGGCGCGGAGGAGGGCGCGGCGGGGCTCGAGGGC-3'
Protein context (NP_000531.2, residues 4254-4274): EGEPETDEDE[Gly4264=]AGAAEAGAEG